The following is an entry in ClinVar:

ClinVar aggregate classification (germline): Uncertain significance. Review status: criteria provided, multiple submitters, no conflicts (2 of 4 stars). 2 submissions from 2 submitters: Uncertain significance (2). Last evaluated 2024-03-06.

Conditions:
Cardiomyopathy (CMYO). Also called: Cardiomyopathies. Identifiers: Orphanet 167848, MedGen C0878544, MONDO:0004994, HP:0001638. Inheritance: Various modes of inheritance.
Familial isolated arrhythmogenic right ventricular dysplasia. Identifiers: Orphanet 217656, MedGen C4274968, MONDO:0016342.

gnomAD v4.1: 1 of 1,614,090 alleles (0.000062%); highest among the groups gnomAD compares: Non-Finnish European, 0.000085%; no homozygotes.

Submissions (2):

Color Diagnostics, LLC DBA Color Health
Classification: Uncertain significance for Cardiomyopathy. Last evaluated: 2024-03-06. Review status: criteria provided, single submitter. Criteria: ACMG Guidelines, 2015. Collection method: clinical testing. Allele origin: germline.
Comment: This missense variant replaces arginine with leucine at codon 279 of the DSC2 protein. Computational prediction suggests that this variant may not impact protein structure and function (internally defined REVEL score threshold <= 0.5, PMID: 27666373). To our knowledge, functional studies have not been reported for this variant. This variant has not been reported in individuals affected with cardiovascular disorders in the literature. This variant has not been identified in the general population by the Genome Aggregation Database (gnomAD). The available evidence is insufficient to determine the role of this variant in disease conclusively. Therefore, this variant is classified as a Variant of Uncertain Significance.

All of Us Research Program, National Institutes of Health
Classification: Uncertain significance for Familial isolated arrhythmogenic right ventricular dysplasia. Last evaluated: 2023-05-04. Review status: criteria provided, single submitter. Criteria: ACMG Guidelines, 2015. Collection method: clinical testing. Allele origin: germline. Inheritance: Autosomal dominant inheritance. Observed: 1 variant allele, 1 heterozygote.
Comment: This missense variant replaces arginine with leucine at codon 279 of the DSC2 protein. Computational prediction suggests that this variant may not impact protein structure and function (internally defined REVEL score threshold <= 0.5, PMID: 27666373). To our knowledge, functional studies have not been reported for this variant. This variant has not been reported in individuals affected with cardiovascular disorders in the literature. This variant has not been identified in the general population by the Genome Aggregation Database (gnomAD). The available evidence is insufficient to determine the role of this variant in disease conclusively. Therefore, this variant is classified as a Variant of Uncertain Significance.

This study involves interpretation of variants in research participants for the purpose of population health screening. Participant phenotype was not available at the time of variant classification. Additional details can be found in publication PMID: 35346344, PMCID: PMC8962531

NM_024422.6(DSC2):c.836G>T (p.Arg279Leu)

Gene: DSC2 (desmocollin 2; minus strand). Cytogenetic location: 18q12.1.
Variant type: single nucleotide variant.
Coding change: c.836G>T on transcript NM_024422.6 (MANE Select); coding-DNA position 836, G replaced by T.
Protein change: p.Arg279Leu; replaces arginine 279 with leucine.
Molecular consequence: missense variant.
Genome position (GRCh38, 1-based): chr18:31,086,682, C>A on the plus strand (G>T on the coding strand, the complement: DSC2 is on the minus strand). VCF-style: chr18-31086682-C-A. GRCh37 (hg19) VCF-style: chr18-28666645-C-A.
Other names: c.407G>T, p.Arg136Leu (NM_001406506.1, NM_001406507.1); c.836G>T, p.Arg279Leu (NM_004949.5); short protein forms R279L, R136L.
Identifiers: ClinVar variation 2775187 (VCV002775187.3), dbSNP rs775614779, ClinGen allele CA402112193.